The following is an entry in ClinVar:

NM_139321.3(ATRN):c.2765C>G (p.Ala922Gly)

Gene: ATRN (attractin; plus strand). Cytogenetic location: 20p13.
Variant type: single nucleotide variant.
Coding change: c.2765C>G on transcript NM_139321.3 (MANE Select); coding-DNA position 2765, C replaced by G.
Protein change: p.Ala922Gly; replaces alanine 922 with glycine.
Molecular consequence: missense variant.
Genome position (GRCh38, 1-based): chr20:3,583,898, C>G. VCF-style: chr20-3583898-C-G. GRCh37 (hg19) VCF-style: chr20-3564545-C-G.
Other names: c.2417C>G, p.Ala806Gly (NM_001207047.3); c.2765C>G, p.Ala922Gly (NM_001323332.2, NM_139322.4); short protein forms A806G, A922G.
Identifiers: ClinVar variation 2781269 (VCV002781269.3), dbSNP rs770014624, ClinGen allele CA9744353.

ClinVar aggregate classification (germline): Uncertain significance (1 of 4 stars; one submission).

Allele frequency attached by ClinVar (database versions not stated): gnomAD exomes below 0.00001; TOPMed below 0.00001; ExAC 0.00001.
gnomAD v4.1: 1 of 1,612,352 alleles (0.000062%); highest among the groups gnomAD compares: African/African-American, 0.0013%; no homozygotes.

Submission:

Labcorp Genetics (formerly Invitae), Labcorp
Classification: Uncertain significance. Last evaluated: 2023-06-20. Review status: criteria provided, single submitter. Criteria: Invitae Variant Classification Sherloc (09022015). Collection method: clinical testing. Allele origin: germline.
Comment: This sequence change replaces alanine, which is neutral and non-polar, with glycine, which is neutral and non-polar, at codon 922 of the ATRN protein (p.Ala922Gly). This variant is present in population databases (rs770014624, gnomAD 0.007%). This variant has not been reported in the literature in individuals affected with ATRN-related conditions. An algorithm developed to predict the effect of missense changes on protein structure and function (PolyPhen-2) suggests that this variant is likely to be disruptive. In summary, the available evidence is currently insufficient to determine the role of this variant in disease. Therefore, it has been classified as a Variant of Uncertain Significance.